The following is an entry in ClinVar:

NM_001321075.3(DLG4):c.1991G>A (p.Arg664Gln)

Gene: DLG4 (discs large MAGUK scaffold protein 4; minus strand). Cytogenetic location: 17p13.1.
Variant type: single nucleotide variant.
Coding change: c.1991G>A on transcript NM_001321075.3 (MANE Select); coding-DNA position 1991, G replaced by A.
Protein change: p.Arg664Gln; replaces arginine 664 with glutamine.
Molecular consequence: missense variant. On other transcripts: non-coding transcript variant (1).
Genome position (GRCh38, 1-based): chr17:7,191,344, C>T on the plus strand (G>A on the coding strand, the complement: DLG4 is on the minus strand). VCF-style: chr17-7191344-C-T. GRCh37 (hg19) VCF-style: chr17-7094663-C-T.
Other names: c.1982G>A, p.Arg661Gln (NM_001128827.4); c.2111G>A, p.Arg704Gln (NM_001321074.1); c.1811G>A, p.Arg604Gln (NM_001321076.3, NM_001321077.3); c.2120G>A, p.Arg707Gln (NM_001365.5); c.1910G>A, p.Arg637Gln (NM_001369566.3); short protein forms R604Q, R637Q, R661Q, R664Q, R704Q, R707Q.
Identifiers: ClinVar variation 1712640 (VCV001712640.2), dbSNP rs1045675620, ClinGen allele CA287412735.

ClinVar aggregate classification (germline): Uncertain significance (1 of 4 stars; one submission).

Allele frequency attached by ClinVar (database versions not stated): TOPMed below 0.00001.

Submission:

GeneDx
Classification: Uncertain significance. Last evaluated: 2022-04-15. Review status: criteria provided, single submitter. Criteria: GeneDx Variant Classification Process June 2021. Collection method: clinical testing. Allele origin: germline. Affected: yes.
Comment: Not observed at significant frequency in large population cohorts (gnomAD); In silico analysis supports that this missense variant has a deleterious effect on protein structure/function; Has not been previously published as pathogenic or benign to our knowledge